The following is an entry in ClinVar:

ClinVar aggregate classification (germline): Uncertain significance. Review status: criteria provided, multiple submitters, no conflicts (2 of 4 stars). 3 submissions from 3 submitters: Uncertain significance (3). Last evaluated 2025-01-07.

Conditions:
Pyruvate carboxylase deficiency. Also called: ATAXIA WITH LACTIC ACIDOSIS II; LEIGH NECROTIZING ENCEPHALOPATHY DUE TO PYRUVATE CARBOXYLASE DEFICIENCY; LEIGH SYNDROME DUE TO PYRUVATE CARBOXYLASE DEFICIENCY; PC DEFICIENCY; Pyruvate Carboxylase Deficiency Disease. Identifiers: Orphanet 3008, MedGen C0034341, MONDO:0009949, OMIM 266150.

Allele frequency attached by ClinVar (database versions not stated): gnomAD exomes below 0.00001.
gnomAD v4.1: 1 of 1,609,778 alleles (0.000062%); highest among the groups gnomAD compares: Non-Finnish European, 0.000085%; no homozygotes.

Submissions (3):

Women's Health and Genetics/Laboratory Corporation of America, LabCorp
Classification: Uncertain significance. Last evaluated: 2025-01-07. Review status: criteria provided, single submitter. Criteria: LabCorp Variant Classification Summary - May 2015. Collection method: clinical testing. Allele origin: germline.
Comment: Variant summary: PC c.751+4A>G alters a conserved nucleotide located close to a canonical splice site and therefore could affect mRNA splicing, leading to a significantly altered protein sequence. Several computational tools predict a significant impact on normal splicing: One predict the variant abolishes a 5' splicing donor site. Three predict the variant weakens a 5' donor site. However, these predictions have yet to be confirmed by functional studies. The variant was absent in 249506 control chromosomes. c.751+4A>G has been reported in the literature in two compound heterozygous individuals (siblings) affected with Pyruvate Carboxylase Deficiency (Coci_2019, Lasio_2023). These data indicate that the variant may be associated with disease. To our knowledge, no experimental evidence demonstrating an impact on protein function has been reported. The following publications have been ascertained in the context of this evaluation (PMID: 30870574, 37207470). ClinVar contains an entry for this variant (Variation ID: 1412808). Based on the evidence outlined above, the variant was classified as VUS-possibly pathogenic.

Blueprint Genetics
Classification: Uncertain significance. Last evaluated: 2024-11-18. Review status: criteria provided, single submitter. Criteria: ACMG Guidelines, 2015. Collection method: clinical testing. Allele origin: germline.

Labcorp Genetics (formerly Invitae), Labcorp
Classification: Uncertain significance for Pyruvate carboxylase deficiency. Last evaluated: 2021-09-01. Review status: criteria provided, single submitter. Criteria: Invitae Variant Classification Sherloc (09022015). Collection method: clinical testing. Allele origin: germline.
Comment: This sequence change falls in intron 7 of the PC gene. It does not directly change the encoded amino acid sequence of the PC protein. It affects a nucleotide within the consensus splice site of the intron. This variant is not present in population databases (ExAC no frequency). This variant has been observed in individual(s) with pyruvate carboxylase deficiency (PMID: 30870574). Variants that disrupt the consensus splice site are a relatively common cause of aberrant splicing (PMID: 17576681, 9536098). Algorithms developed to predict the effect of sequence changes on RNA splicing suggest that this variant may disrupt the consensus splice site. In summary, the available evidence is currently insufficient to determine the role of this variant in disease. Therefore, it has been classified as a Variant of Uncertain Significance.

Literature cited by the submitters: PubMed 30870574 (cited by Women's Health and Genetics/Laboratory Corporation of America, LabCorp and Labcorp Genetics (formerly Invitae), Labcorp); PubMed 37207470 (cited by Women's Health and Genetics/Laboratory Corporation of America, LabCorp); PubMed 17576681 (cited by Labcorp Genetics (formerly Invitae), Labcorp); PubMed 9536098 (cited by Labcorp Genetics (formerly Invitae), Labcorp).

NM_001040716.2(PC):c.751+4A>G

Gene: PC (pyruvate carboxylase; minus strand). Cytogenetic location: 11q13.2.
Variant type: single nucleotide variant.
Coding change: c.751+4A>G on transcript NM_001040716.2 (MANE Select); 4 bases into the intron after coding-DNA position 751, A replaced by G.
Molecular consequence: intron variant.
Genome position (GRCh38, 1-based): chr11:66,870,771, T>C on the plus strand (A>G on the coding strand, the complement: PC is on the minus strand). VCF-style: chr11-66870771-T-C. GRCh37 (hg19) VCF-style: chr11-66638242-T-C.
Other names: c.751+4A>G (NM_000920.4, NM_022172.3).
Identifiers: ClinVar variation 1412808 (VCV001412808.8), dbSNP rs2135937467, ClinGen allele CA2573147594.